The following is an entry in ClinVar:

NM_001035.3(RYR2):c.7722C>G (p.Leu2574=)

Gene: RYR2 (ryanodine receptor 2; plus strand). Cytogenetic location: 1q43.
Variant type: single nucleotide variant.
Coding change: c.7722C>G on transcript NM_001035.3 (MANE Select); coding-DNA position 7722, C replaced by G.
Protein change: p.Leu2574=; no amino-acid change (leucine 2574 retained).
Molecular consequence: synonymous variant.
Genome position (GRCh38, 1-based): chr1:237,650,086, C>G. VCF-style: chr1-237650086-C-G. GRCh37 (hg19) VCF-style: chr1-237813386-C-G.
Identifiers: ClinVar variation 3075477 (VCV003075477.1), dbSNP rs2547038341, ClinGen allele CA423820086.
Genomic context (GRCh38, chr1:237,650,086, plus strand): 5'-ACTTTCTAAGGGCTGTTCACTTACCAAAGCTCAGCGGGATTCCATAGAAGTTTGTTTACT[C>G]TCTATTTGTGGGTGAGTGGATAACAAATTCTATTCCGGCTTCTTCTTTAAAAAACAGAAT-3'
Protein context (NP_001026.2, residues 2564-2584): AQRDSIEVCL[Leu2574=]SICGQLRPSM

ClinVar aggregate classification (germline): Likely benign (1 of 4 stars; one submission).

Conditions:
Catecholaminergic polymorphic ventricular tachycardia (CVPT). Also called: Catecholamine-induced polymorphic ventricular tachycardia. Identifiers: Orphanet 3286, MedGen C5574922, MONDO:0017990.

Submission:

All of Us Research Program, National Institutes of Health
Classification: Likely benign for Catecholaminergic polymorphic ventricular tachycardia. Last evaluated: 2024-02-05. Review status: criteria provided, single submitter. Criteria: ACMG Guidelines, 2015. Collection method: clinical testing. Allele origin: germline. Inheritance: Autosomal dominant inheritance. Observed: 1 variant allele, 1 heterozygote.
Comment: This study involves interpretation of variants in research participants for the purpose of population health screening. Participant phenotype was not available at the time of variant classification. Additional details can be found in publication PMID: 35346344, PMCID: PMC8962531